The following is an entry in ClinVar:

NM_004656.4(BAP1):c.630C>T (p.Ile210=)

Gene: BAP1 (BRCA1 associated deubiquitinase 1; minus strand). Cytogenetic location: 3p21.1.
Variant type: single nucleotide variant.
Coding change: c.630C>T on transcript NM_004656.4 (MANE Select); coding-DNA position 630, C replaced by T.
Protein change: p.Ile210=; no amino-acid change (isoleucine 210 retained).
Molecular consequence: synonymous variant.
Genome position (GRCh38, 1-based): chr3:52,406,858, G>A on the plus strand (C>T on the coding strand, the complement: BAP1 is on the minus strand). VCF-style: chr3-52406858-G-A. GRCh37 (hg19) VCF-style: chr3-52440874-G-A.
Other names: c.630C>T (NM_004656.2).
Identifiers: ClinVar variation 1109251 (VCV001109251.11), dbSNP rs1705176856, ClinGen allele CA433776725.

ClinVar aggregate classification (germline): Benign/Likely benign. Review status: criteria provided, multiple submitters, no conflicts (2 of 4 stars). 4 submissions from 4 submitters: Benign (1); Likely benign (3). Last evaluated 2024-07-12.

Conditions:
BAP1-related tumor predisposition syndrome (TPDS1). Also called: TUMOR PREDISPOSITION SYNDROME 1; COMMON Syndrome; Tumor susceptibility linked to germline BAP1 mutations; BAP1 tumor predisposition syndrome. Identifiers: Orphanet 289539, MedGen C3280492, MONDO:0013692, OMIM 614327.
Hereditary cancer-predisposing syndrome. Also called: Tumor predisposition; Hereditary Cancer Syndrome; Neoplastic Syndromes, Hereditary; Hereditary neoplastic syndrome. Identifiers: Orphanet 140162, MedGen C0027672, MeSH D009386, MONDO:0015356.

Submissions (4):

Myriad Genetics, Inc.
Classification: Benign for BAP1-related tumor predisposition syndrome. Last evaluated: 2024-07-12. Review status: criteria provided, single submitter. Criteria: Myriad Autosomal Dominant, Autosomal Recessive and X-Linked Classification Criteria (2023). Collection method: clinical testing. Allele origin: unknown.
Comment: This variant is considered benign. This variant is a silent/synonymous amino acid change and it is not expected to impact splicing.

Ambry Genetics
Classification: Likely benign for Hereditary cancer-predisposing syndrome. Last evaluated: 2023-12-04. Review status: criteria provided, single submitter. Criteria: Ambry Variant Classification Scheme 2023. Collection method: clinical testing. Allele origin: germline.

Labcorp Genetics (formerly Invitae), Labcorp
Classification: Likely benign for BAP1-related tumor predisposition syndrome. Last evaluated: 2023-11-25. Review status: criteria provided, single submitter. Criteria: Invitae Variant Classification Sherloc (09022015). Collection method: clinical testing. Allele origin: germline.

Color Diagnostics, LLC DBA Color Health
Classification: Likely benign for Hereditary cancer-predisposing syndrome. Last evaluated: 2020-09-15. Review status: criteria provided, single submitter. Criteria: ACMG Guidelines, 2015. Collection method: clinical testing. Allele origin: germline.